The following is an entry in ClinVar:

NM_002241.5(KCNJ10):c.219G>A (p.Ala73=)

Gene: KCNJ10 (potassium inwardly rectifying channel subfamily J member 10; minus strand). Cytogenetic location: 1q23.2.
Variant type: single nucleotide variant.
Coding change: c.219G>A on transcript NM_002241.5 (MANE Select); coding-DNA position 219, G replaced by A.
Protein change: p.Ala73=; no amino-acid change (alanine 73 retained).
Molecular consequence: synonymous variant.
Genome position (GRCh38, 1-based): chr1:160,042,314, C>T on the plus strand (G>A on the coding strand, the complement: KCNJ10 is on the minus strand). VCF-style: chr1-160042314-C-T. GRCh37 (hg19) VCF-style: chr1-160012104-C-T.
Identifiers: ClinVar variation 378001 (VCV000378001.51), dbSNP rs144495959, ClinGen allele CA1193277.

ClinVar aggregate classification (germline): Conflicting classifications of pathogenicity. Review status: criteria provided, conflicting classifications (1 of 4 stars). 10 submissions from 9 submitters: Uncertain significance (3); Benign (1); Likely benign (5). 1 of the submissions does not count toward it. Last evaluated 2026-09-01.

Conditions:
KCNJ10-related disorder. Also called: KCNJ10-related condition; KCNJ10-related disorders. Identifiers: MedGen CN239321.
Inborn genetic diseases. Identifiers: MedGen C0950123, MeSH D030342.
EAST syndrome (SESAMES). Also called: SEIZURES, SENSORINEURAL DEAFNESS, ATAXIA, IMPAIRED INTELLECTUAL DEVELOPMENT, AND ELECTROLYTE IMBALANCE. Identifiers: Orphanet 199343, MedGen C2748572, MONDO:0013005, OMIM 612780.
Autosomal recessive nonsyndromic hearing loss 4 (DFNB4). Also called: FOXI1-Related Pendred Syndrome; KCNJ10-Related Pendred Syndrome; DEAFNESS, AUTOSOMAL RECESSIVE 4, WITH ENLARGED VESTIBULAR AQUEDUCT, DIGENIC; Nonsyndromic enlarged vestibular aqueduct (NSEVA); Deafness, autosomal recessive 4, with enlarged vestibular aqueduct; Deafness, autosomal recessive 4. Identifiers: Orphanet 90636, MedGen C3538946, MONDO:0010933, OMIM 600791.

Allele frequency attached by ClinVar (database versions not stated): TOPMed 0.00013; ESP Exome Variant Server 0.00015; gnomAD 0.00015 and 0.00016; gnomAD exomes 0.00017; ExAC 0.00020.
gnomAD v4.1: 269 of 1,613,432 alleles (0.017%); highest among the groups gnomAD compares: Non-Finnish European, 0.022%; no homozygotes.

Submissions (10):

CeGaT Center for Human Genetics Tuebingen
Classification: Likely benign. Last evaluated: 2026-09-01. Review status: criteria provided, single submitter. Criteria: CeGaT Center For Human Genetics Tuebingen Variant Classification Criteria Version 2. Collection method: clinical testing. Allele origin: germline. Affected: yes. Observed: 2 variant alleles.
Comment: KCNJ10: BP4, BP7

Labcorp Genetics (formerly Invitae), Labcorp
Classification: Likely benign for EAST syndrome. Last evaluated: 2025-12-01. Review status: criteria provided, single submitter. Criteria: Invitae Variant Classification Sherloc (09022015). Collection method: clinical testing. Allele origin: germline.

Blueprint Genetics
Classification: Likely benign. Last evaluated: 2024-09-25. Review status: criteria provided, single submitter. Criteria: ACMG Guidelines, 2015. Collection method: clinical testing. Allele origin: germline.

Illumina Laboratory Services, Illumina
Classification: Uncertain significance for Autosomal recessive nonsyndromic hearing loss 4. Last evaluated: 2018-01-13. Review status: criteria provided, single submitter. Criteria: ICSL Variant Classification Criteria 13 December 2019. Collection method: clinical testing. Allele origin: germline.

Illumina Laboratory Services, Illumina
Classification: Uncertain significance for EAST syndrome. Last evaluated: 2018-01-13. Review status: criteria provided, single submitter. Criteria: ICSL Variant Classification Criteria 13 December 2019. Collection method: clinical testing. Allele origin: germline.

Eurofins Ntd Llc (ga)
Classification: Uncertain significance. Last evaluated: 2017-02-22. Review status: criteria provided, single submitter. Criteria: EGL Classification Definitions 2015. Collection method: clinical testing. Allele origin: germline. Observed: 1 variant allele, 1 heterozygote.

Ambry Genetics
Classification: Likely benign for Inborn genetic diseases. Last evaluated: 2016-12-09. Review status: criteria provided, single submitter. Criteria: Ambry Variant Classification Scheme 2023. Collection method: clinical testing. Allele origin: germline.

Genetic Services Laboratory, University of Chicago
Classification: Likely benign. Last evaluated: 2016-12-08. Review status: criteria provided, single submitter. Criteria: ACMG Guidelines, 2015. Collection method: clinical testing. Allele origin: germline. Affected: no.

GeneDx
Classification: Benign. Last evaluated: 2015-07-30. Review status: criteria provided, single submitter. Criteria: GeneDx Variant Classification (06012015). Collection method: clinical testing. Allele origin: germline. Affected: yes.
Comment: This variant is considered likely benign or benign based on one or more of the following criteria: it is a conservative change, it occurs at a poorly conserved position in the protein, it is predicted to be benign by multiple in silico algorithms, and/or has population frequency not consistent with disease.

PreventionGenetics, part of Exact Sciences
Classification: Likely benign for KCNJ10-related condition. Last evaluated: 2021-11-18. Review status: no assertion criteria provided. Collection method: clinical testing. Allele origin: germline. Not counted in ClinVar's aggregate classification.
Comment: This variant is classified as likely benign based on ACMG/AMP sequence variant interpretation guidelines (Richards et al. 2015 PMID: 25741868, with internal and published modifications).